The following is an entry in ClinVar:

ClinVar aggregate classification (germline): Conflicting classifications of pathogenicity. Review status: criteria provided, conflicting classifications (1 of 4 stars). 5 submissions from 5 submitters: Uncertain significance (3); Likely benign (2). Last evaluated 2026-01-17.

Conditions:
Aortic aneurysm, familial thoracic 6 (AAT6). Also called: FAMILIAL THORACIC AORTIC ANEURYSM WITH LIVEDO RETICULARIS AND IRIS FLOCCULI. Identifiers: MedGen C2673186, MONDO:0012730, OMIM 611788.
Familial thoracic aortic aneurysm and aortic dissection (TAAD). Also called: Thoracic aortic aneurysms and dissections. Identifiers: Orphanet 91387, MedGen C4707243, MONDO:0019625.

Allele frequency attached by ClinVar (database versions not stated): gnomAD exomes 0.00001 and 0.00006; gnomAD 0.00002 and 0.00003; TOPMed 0.00003; ExAC 0.00005; 1000 Genomes Project 0.00040; 1000 Genomes Project 30x 0.00047.

Submissions (5):

Labcorp Genetics (formerly Invitae), Labcorp
Classification: Likely benign for Aortic aneurysm, familial thoracic 6. Last evaluated: 2026-01-17. Review status: criteria provided, single submitter. Criteria: Invitae Variant Classification Sherloc (09022015). Collection method: clinical testing. Allele origin: germline.

Color Diagnostics, LLC DBA Color Health
Classification: Likely benign for Familial thoracic aortic aneurysm and aortic dissection. Last evaluated: 2024-07-16. Review status: criteria provided, single submitter. Criteria: ACMG Guidelines, 2015. Collection method: clinical testing. Allele origin: germline.

All of Us Research Program, National Institutes of Health
Classification: Uncertain significance for Familial thoracic aortic aneurysm and aortic dissection. Last evaluated: 2023-12-18. Review status: criteria provided, single submitter. Criteria: ACMG Guidelines, 2015. Collection method: clinical testing. Allele origin: germline. Inheritance: Autosomal dominant inheritance. Observed: 6 variant alleles, 6 heterozygotes.
Comment: This missense variant replaces methionine with threonine at codon 134 of the ACTA2 protein. Computational prediction tool suggests that this variant may have deleterious impact on protein structure and function (internally defined REVEL score threshold >=0.7, PMID: 27666373). Splice site prediction tools suggest that this variant may not impact RNA splicing. To our knowledge, functional studies have not been performed for this variant. This variant has not been reported in individuals affected with cardiovascular disorders in the literature. This variant has been identified in 17/280526 chromosomes in the general population by the Genome Aggregation Database (gnomAD). The available evidence is insufficient to determine the role of this variant in disease conclusively. Therefore, this variant is classified as a Variant of Uncertain Significance.

This study involves interpretation of variants in research participants for the purpose of population health screening. Participant phenotype was not available at the time of variant classification. Additional details can be found in publication PMID: 35346344, PMCID: PMC8962531

Blueprint Genetics
Classification: Uncertain significance. Last evaluated: 2022-11-17. Review status: criteria provided, single submitter. Criteria: ACMG Guidelines, 2015. Collection method: clinical testing. Allele origin: germline.

GeneDx
Classification: Uncertain significance. Last evaluated: 2022-05-10. Review status: criteria provided, single submitter. Criteria: GeneDx Variant Classification Process June 2021. Collection method: clinical testing. Allele origin: germline. Affected: yes.
Comment: In silico analysis supports that this missense variant has a deleterious effect on protein structure/function; This variant is associated with the following publications: (PMID: 28855619)

NM_001613.4(ACTA2):c.401T>C (p.Met134Thr)

Gene: ACTA2 (actin alpha 2, smooth muscle; minus strand). Cytogenetic location: 10q23.31.
Variant type: single nucleotide variant.
Coding change: c.401T>C on transcript NM_001613.4 (MANE Select); coding-DNA position 401, T replaced by C.
Protein change: p.Met134Thr; replaces methionine 134 with threonine.
Molecular consequence: missense variant.
Genome position (GRCh38, 1-based): chr10:88,941,838, A>G on the plus strand (T>C on the coding strand, the complement: ACTA2 is on the minus strand). VCF-style: chr10-88941838-A-G. GRCh37 (hg19) VCF-style: chr10-90701595-A-G.
Other names: c.401T>C, p.Met134Thr (NM_001141945.3, NM_001320855.2, NM_001406462.1 and 3 more transcripts); c.290T>C, p.Met97Thr (NM_001406466.1); c.272T>C, p.Met91Thr (NM_001406467.1, NM_001406468.1, NM_001406469.1); short protein forms M134T, M97T, M91T.
Identifiers: ClinVar variation 766538 (VCV000766538.20), dbSNP rs181698127, ClinGen allele CA028174.